The following is an entry in ClinVar:

ClinVar aggregate classification (germline): Pathogenic/Likely pathogenic. Review status: criteria provided, multiple submitters, no conflicts (2 of 4 stars). 4 submissions from 4 submitters: Pathogenic (1); Likely pathogenic (1). 2 of the submissions do not count toward it. Last evaluated 2025-01-21.

Conditions:
Spondylometaphyseal dysplasia - Sutcliffe type. Also called: Spondylometaphyseal Dysplasia, Corner Fracture Type; Sutcliffe type of spondylometaphyseal dysplasia; Sutcliffe SMD; Spondylometaphyseal dysplasia, 'corner fracture' type. Identifiers: Orphanet 93315, MedGen C0432221, MONDO:0008479, OMIM 184255.
Spondylometaphyseal dysplasia. Identifiers: Orphanet 254, MedGen C4759767, MONDO:0016763, HP:0002657.

Submissions (4):

Labcorp Genetics (formerly Invitae), Labcorp
Classification: Pathogenic. Last evaluated: 2025-01-21. Review status: criteria provided, single submitter. Criteria: Invitae Variant Classification Sherloc (09022015). Collection method: clinical testing. Allele origin: germline.
Comment: This sequence change replaces cysteine, which is neutral and slightly polar, with tryptophan, which is neutral and slightly polar, at codon 225 of the FN1 protein (p.Cys225Trp). This variant is not present in population databases (gnomAD no frequency). This missense change has been observed in individual(s) with spondylometaphyseal dysplasia corner fracture type (PMID: 29100092, 33605604). In at least one individual the variant was observed to be de novo. ClinVar contains an entry for this variant (Variation ID: 424645). An algorithm developed to predict the effect of missense changes on protein structure and function (PolyPhen-2) suggests that this variant is likely to be disruptive. This variant disrupts the p.Cys225 amino acid residue in FN1. Other variant(s) that disrupt this residue have been determined to be pathogenic (internal data). This suggests that this residue is clinically significant, and that variants that disrupt this residue are likely to be disease-causing. For these reasons, this variant has been classified as Pathogenic.

SIB Swiss Institute of Bioinformatics
Classification: Likely pathogenic for Spondylometaphyseal dysplasia - Sutcliffe type. Last evaluated: 2018-10-15. Review status: criteria provided, single submitter. Criteria: ACMG Guidelines, 2015. Collection method: curation. Allele origin: germline.
Comment: This variant is interpreted as Likely Pathogenic, for Spondylometaphyseal dysplasia, corner fracture type, autosomal dominant. The following ACMG Tag(s) were applied: PM2 => Absent from controls (or at extremely low frequency if recessive) in Exome Sequencing Project, 1000 Genomes Project, or Exome Aggregation Consortium. PP3 => Multiple lines of computational evidence support a deleterious effect on the gene or gene product. PM1 => Located in a mutational hot spot and/or critical and well-established functional domain (e.g., active site of an enzyme) without benign variation. PM6 => Assumed de novo, but without confirmation of paternity and maternity (PubMed 29100092).

OMIM
Classification: Pathogenic for SPONDYLOMETAPHYSEAL DYSPLASIA, CORNER FRACTURE TYPE. Last evaluated: 2021-09-30. Review status: no assertion criteria provided. Collection method: literature only. Allele origin: germline. Not counted in ClinVar's aggregate classification.

CHU Sainte-Justine Research Center, University of Montreal
Classification: Likely pathogenic for Spondylometaphyseal dysplasia. Last evaluated: 2017-02-25. Review status: no assertion criteria provided. Collection method: research. Allele origin: germline. Affected: yes. Not counted in ClinVar's aggregate classification.
Comment: 6 Individuals with novel FN1 mutations and spondylometaphyseal dysplasia

Literature cited by the submitters: PubMed 29100092 (cited by Labcorp Genetics (formerly Invitae), Labcorp and SIB Swiss Institute of Bioinformatics); PubMed 33605604 (cited by Labcorp Genetics (formerly Invitae), Labcorp and OMIM).

NM_212482.4(FN1):c.675C>G (p.Cys225Trp)

Gene: FN1 (fibronectin 1; minus strand). Cytogenetic location: 2q35.
Variant type: single nucleotide variant.
Coding change: c.675C>G on transcript NM_212482.4 (MANE Select); coding-DNA position 675, C replaced by G.
Protein change: p.Cys225Trp; replaces cysteine 225 with tryptophan.
Molecular consequence: missense variant.
Genome position (GRCh38, 1-based): chr2:215,430,725, G>C on the plus strand (C>G on the coding strand, the complement: FN1 is on the minus strand). VCF-style: chr2-215430725-G-C. GRCh37 (hg19) VCF-style: chr2-216295448-G-C.
Other names: c.675C>G, p.Cys225Trp (NM_001306129.2, NM_001306130.2, NM_001306131.2 and 14 more transcripts); short protein forms C225W.
Identifiers: ClinVar variation 424645 (VCV000424645.5), dbSNP rs1181638652, ClinGen allele CA350475275.